The following is an entry in ClinVar:

ClinVar aggregate classification (germline): Likely benign (1 of 4 stars; one submission).

Conditions:
Heterotaxy, visceral, 4, autosomal (HTX4). Identifiers: Orphanet 450, MedGen C3151057, MONDO:0013403, OMIM 613751.

Allele frequency attached by ClinVar (database versions not stated): gnomAD 0.00001 and 0.00002; ExAC 0.00002; gnomAD exomes 0.00002 and 0.00007; 1000 Genomes Project 30x 0.00016; 1000 Genomes Project 0.00020.
gnomAD v4.1: 108 of 1,613,236 alleles (0.0067%); highest among the groups gnomAD compares: East Asian, 0.24%; no homozygotes.

Submission:

Illumina Laboratory Services, Illumina
Classification: Likely benign for Heterotaxy, visceral, 4, autosomal. Last evaluated: 2018-01-13. Review status: criteria provided, single submitter. Criteria: ICSL Variant Classification Criteria 13 December 2019. Collection method: clinical testing. Allele origin: germline.
Comment: This variant was observed in the ICSL laboratory as part of a predisposition screen in an ostensibly healthy population. It had not been previously curated by ICSL or reported in the Human Gene Mutation Database (HGMD: prior to June 1st, 2018), and was therefore a candidate for classification through an automated scoring system. Utilizing variant allele frequency, disease prevalence and penetrance estimates, and inheritance mode, an automated score was calculated to assess if this variant is too frequent to cause the disease. Based on the score and internal cut-off values, a variant classified as likely benign is not then subjected to further curation. The score for this variant resulted in a classification of likely benign for this disease.

NM_001106.4(ACVR2B):c.260+7C>G

Gene: ACVR2B (activin A receptor type 2B; plus strand). Cytogenetic location: 3p22.2.
Variant type: single nucleotide variant.
Coding change: c.260+7C>G on transcript NM_001106.4 (MANE Select); 7 bases into the intron after coding-DNA position 260, C replaced by G.
Molecular consequence: intron variant.
Genome position (GRCh38, 1-based): chr3:38,477,501, C>G. VCF-style: chr3-38477501-C-G. GRCh37 (hg19) VCF-style: chr3-38518992-C-G.
Identifiers: ClinVar variation 344914 (VCV000344914.5), dbSNP rs147683346, ClinGen allele CA2318740.